The following is an entry in ClinVar:

NM_001042492.3(NF1):c.4004A>G (p.Asn1335Ser)

Gene: NF1 (neurofibromin 1; plus strand). Cytogenetic location: 17q11.2.
Variant type: single nucleotide variant.
Coding change: c.4004A>G on transcript NM_001042492.3 (MANE Select); coding-DNA position 4004, A replaced by G.
Protein change: p.Asn1335Ser; replaces asparagine 1335 with serine.
Molecular consequence: missense variant.
Genome position (GRCh38, 1-based): chr17:31,249,013, A>G. VCF-style: chr17-31249013-A-G. GRCh37 (hg19) VCF-style: chr17-29576031-A-G.
Other names: c.4004A>G, p.Asn1335Ser (NM_000267.4); short protein forms N1335S.
Identifiers: ClinVar variation 481902 (VCV000481902.5), dbSNP rs1555617304, ClinGen allele CA398994871.

ClinVar aggregate classification (germline): Uncertain significance. Review status: criteria provided, multiple submitters, no conflicts (2 of 4 stars). 2 submissions from 2 submitters: Uncertain significance (2). Last evaluated 2024-10-30.

Conditions:
Hereditary cancer-predisposing syndrome. Also called: Hereditary neoplastic syndrome; Neoplastic Syndromes, Hereditary; Tumor predisposition; Hereditary Cancer Syndrome. Identifiers: Orphanet 140162, MedGen C0027672, MeSH D009386, MONDO:0015356.
Neurofibromatosis, type 1 (NF1). Also called: VON RECKLINGHAUSEN DISEASE; Peripheral type neurofibromatosis; NEUROFIBROMATOSIS, TYPE I, SOMATIC; Neurofibromatosis, type I. Identifiers: Orphanet 636, MedGen C0027831, MONDO:0018975, OMIM 162200. Disease mechanism: loss of function.

Submissions (2):

Labcorp Genetics (formerly Invitae), Labcorp
Classification: Uncertain significance for Neurofibromatosis, type 1. Last evaluated: 2024-10-30. Review status: criteria provided, single submitter. Criteria: Invitae Variant Classification Sherloc (09022015). Collection method: clinical testing. Allele origin: germline.
Comment: This sequence change replaces asparagine, which is neutral and polar, with serine, which is neutral and polar, at codon 1335 of the NF1 protein (p.Asn1335Ser). This variant is not present in population databases (gnomAD no frequency). This variant has not been reported in the literature in individuals affected with NF1-related conditions. ClinVar contains an entry for this variant (Variation ID: 481902). Invitae Evidence Modeling of protein sequence and biophysical properties (such as structural, functional, and spatial information, amino acid conservation, physicochemical variation, residue mobility, and thermodynamic stability) indicates that this missense variant is expected to disrupt NF1 protein function with a positive predictive value of 95%. In summary, the available evidence is currently insufficient to determine the role of this variant in disease. Therefore, it has been classified as a Variant of Uncertain Significance.

Ambry Genetics
Classification: Uncertain significance for Hereditary cancer-predisposing syndrome. Last evaluated: 2016-02-25. Review status: criteria provided, single submitter. Criteria: Ambry Autosomal Dominant and X-Linked criteria (10/2015). Collection method: clinical testing. Allele origin: germline. Observed: 1 variant allele.
Comment: The p.N1335S variant (also known as c.4004A>G), located in coding exon 30 of the NF1 gene, results from an A to G substitution at nucleotide position 4004. The asparagine at codon 1335 is replaced by serine, an amino acid with highly similar properties. This variant was not reported in population based cohorts in the following databases: Database of Single Nucleotide Polymorphisms (dbSNP), NHLBI Exome Sequencing Project (ESP), and 1000 Genomes Project. In the ESP, this variant was not observed in 6503 samples (13006 alleles) with coverage at this position.To date, this alteration has been detected with an allele frequency of approximately 0.001% (greater than 110000 alleles tested) in our clinical cohort. This amino acid position is highly conserved in available vertebrate species. In addition, the in silico prediction for this alteration is inconclusive.Since supporting evidence is limited at this time, the clinical significance of this alterationremains unclear.